The following is an entry in ClinVar:

ClinVar aggregate classification (germline): Uncertain significance (1 of 4 stars; one submission).

Conditions:
Inflammatory skin and bowel disease, neonatal, 1. Identifiers: Orphanet 294023, MedGen C3280501, MONDO:0013693, OMIM 614328.

Allele frequency attached by ClinVar (database versions not stated): gnomAD exomes 0.00001 and 0.00002; ExAC 0.00002; ESP Exome Variant Server 0.00008.
gnomAD v4.1: 11 of 1,614,074 alleles (0.00068%); highest among the groups gnomAD compares: African/African-American, 0.0027%; no homozygotes.

Submission:

Labcorp Genetics (formerly Invitae), Labcorp
Classification: Uncertain significance for Inflammatory skin and bowel disease, neonatal, 1. Last evaluated: 2021-09-24. Review status: criteria provided, single submitter. Criteria: Invitae Variant Classification Sherloc (09022015). Collection method: clinical testing. Allele origin: germline.
Comment: This sequence change replaces phenylalanine with leucine at codon 730 of the ADAM17 protein (p.Phe730Leu). The phenylalanine residue is moderately conserved and there is a small physicochemical difference between phenylalanine and leucine. This variant is present in population databases (rs372189309, ExAC 0.003%). This variant has not been reported in the literature in individuals with ADAM17-related conditions. Algorithms developed to predict the effect of missense changes on protein structure and function output the following: SIFT: "Not Available"; PolyPhen-2: "Benign"; Align-GVGD: "Not Available". The leucine amino acid residue is found in multiple mammalian species, suggesting that this missense change does not adversely affect protein function. These predictions have not been confirmed by published functional studies and their clinical significance is uncertain. In summary, the available evidence is currently insufficient to determine the role of this variant in disease. Therefore, it has been classified as a Variant of Uncertain Significance.

NM_003183.6(ADAM17):c.2188T>C (p.Phe730Leu)

Genes: ADAM17 (ADAM metallopeptidase domain 17; minus strand), IAH1 (isoamyl acetate hydrolyzing esterase 1 (putative); plus strand). Cytogenetic location: 2p25.1.
Variant type: single nucleotide variant.
Coding change: c.2188T>C on transcript NM_003183.6 (MANE Select); coding-DNA position 2188, T replaced by C.
Protein change: p.Phe730Leu; replaces phenylalanine 730 with leucine.
Molecular consequence: missense variant.
Genome position (GRCh38, 1-based): chr2:9,490,464, A>G on the plus strand (T>C on the coding strand, the complement: ADAM17 is on the minus strand). VCF-style: chr2-9490464-A-G. GRCh37 (hg19) VCF-style: chr2-9630593-A-G.
Other names: c.1528T>C, p.Phe510Leu (NM_001382777.1); c.1291T>C, p.Phe431Leu (NM_001382778.1); short protein forms F431L, F510L, F730L.
Identifiers: ClinVar variation 1426260 (VCV001426260.5), dbSNP rs372189309, ClinGen allele CA1523272.